The following is an entry in ClinVar:

NM_000179.3(MSH6):c.2050C>G (p.Leu684Val)

Gene: MSH6 (mutS homolog 6; plus strand). Cytogenetic location: 2p16.3.
Variant type: single nucleotide variant.
Coding change: c.2050C>G on transcript NM_000179.3 (MANE Select); coding-DNA position 2050, C replaced by G.
Protein change: p.Leu684Val; replaces leucine 684 with valine.
Molecular consequence: missense variant.
Genome position (GRCh38, 1-based): chr2:47,800,033, C>G. VCF-style: chr2-47800033-C-G. GRCh37 (hg19) VCF-style: chr2-48027172-C-G.
Other names: c.1660C>G, p.Leu554Val (NM_001281492.2); c.1144C>G, p.Leu382Val (NM_001281493.2, NM_001281494.2); short protein forms L684V, L382V, L554V.
Identifiers: ClinVar variation 421322 (VCV000421322.12), dbSNP rs771445440, ClinGen allele CA068420.

ClinVar aggregate classification (germline): Uncertain significance. Review status: criteria provided, multiple submitters, no conflicts (2 of 4 stars). 3 submissions from 3 submitters: Uncertain significance (3). Last evaluated 2026-07-30.

Conditions:
Hereditary nonpolyposis colorectal neoplasms. Identifiers: MedGen C0009405, MeSH D003123.
Hereditary cancer-predisposing syndrome. Also called: Neoplastic Syndromes, Hereditary; Hereditary neoplastic syndrome; Hereditary Cancer Syndrome; Tumor predisposition. Identifiers: Orphanet 140162, MedGen C0027672, MeSH D009386, MONDO:0015356.

Allele frequency attached by ClinVar (database versions not stated): ExAC 0.00001; gnomAD exomes below 0.00001.
gnomAD v4.1: 1 of 1,614,112 alleles (0.000062%); highest among the groups gnomAD compares: South Asian, 0.0011%; no homozygotes.

Submissions (3):

Ambry Genetics
Classification: Uncertain significance for Hereditary cancer-predisposing syndrome. Last evaluated: 2026-07-30. Review status: criteria provided, single submitter. Criteria: Ambry Variant Classification Scheme 2023. Collection method: clinical testing. Allele origin: germline.
Comment: The p.L684V variant (also known as c.2050C>G), located in coding exon 4 of the MSH6 gene, results from a C to G substitution at nucleotide position 2050. The leucine at codon 684 is replaced by valine, an amino acid with highly similar properties. This amino acid position is highly conserved in available vertebrate species. In addition, this alteration is predicted to be deleterious by in silico analysis. Based on the available evidence, the clinical significance of this variant remains unclear.

Labcorp Genetics (formerly Invitae), Labcorp
Classification: Uncertain significance for Hereditary nonpolyposis colorectal neoplasms. Last evaluated: 2020-08-21. Review status: criteria provided, single submitter. Criteria: Invitae Variant Classification Sherloc (09022015). Collection method: clinical testing. Allele origin: germline.
Comment: This sequence change replaces leucine with valine at codon 684 of the MSH6 protein (p.Leu684Val). The leucine residue is highly conserved and there is a small physicochemical difference between leucine and valine. This variant is present in population databases (rs771445440, ExAC 0.006%). This variant has not been reported in the literature in individuals with MSH6-related conditions. ClinVar contains an entry for this variant (Variation ID: 421322). Algorithms developed to predict the effect of missense changes on protein structure and function (SIFT, PolyPhen-2, Align-GVGD) all suggest that this variant is likely to be disruptive, but these predictions have not been confirmed by published functional studies and their clinical significance is uncertain. Algorithms developed to predict the effect of sequence changes on RNA splicing suggest that this variant may create or strengthen a splice site, but this prediction has not been confirmed by published transcriptional studies. In summary, the available evidence is currently insufficient to determine the role of this variant in disease. Therefore, it has been classified as a Variant of Uncertain Significance.

GeneDx
Classification: Uncertain significance. Last evaluated: 2016-05-25. Review status: criteria provided, single submitter. Criteria: GeneDx Variant Classification (06012015). Collection method: clinical testing. Allele origin: germline. Affected: yes.
Comment: This variant is denoted MSH6 c.2050C>G at the cDNA level, p.Leu684Val (L684V) at the protein level, and results in the change of a Leucine to a Valine (CTA>GTA). This variant has not, to our knowledge, been published in the literature as pathogenic or benign. MSH6 Leu684Val was not observed in approximately 6,500 individuals of European and African American ancestry in the NHLBI Exome Sequencing Project, suggesting it is not a common benign variant in these populations. Since Leucine and Valine share similar properties, this is considered a conservative amino acid substitution. MSH6 Leu684Val occurs at a position that is conserved across species and is located in the MutS domain (Terui 2013). In silico analyses predict that this variant is probably damaging to protein structure and function. Based on currently available evidence, it is unclear whether MSH6 Leu684Val is a pathogenic or benign variant. We consider it to be a variant of uncertain significance.